The following is an entry in ClinVar:

ClinVar aggregate classification (germline): Likely benign (1 of 4 stars; one submission).

gnomAD v4.1: 1 of 1,582,956 alleles (0.000063%); highest among the groups gnomAD compares: Non-Finnish European, 0.000086%; no homozygotes.

Submission:

CeGaT Center for Human Genetics Tuebingen
Classification: Likely benign. Last evaluated: 2025-11-01. Review status: criteria provided, single submitter. Criteria: CeGaT Center For Human Genetics Tuebingen Variant Classification Criteria Version 2. Collection method: clinical testing. Allele origin: germline. Affected: yes. Observed: 1 variant allele.
Comment: SLC33A1: BP4, BP7

NM_004733.4(SLC33A1):c.135G>A (p.Arg45=)

Gene: SLC33A1 (solute carrier family 33 member 1; minus strand). Cytogenetic location: 3q25.31.
Variant type: single nucleotide variant.
Coding change: c.135G>A on transcript NM_004733.4 (MANE Select); coding-DNA position 135, G replaced by A.
Protein change: p.Arg45=; no amino-acid change (arginine 45 retained).
Molecular consequence: synonymous variant.
Genome position (GRCh38, 1-based): chr3:155,853,863, C>T on the plus strand (G>A on the coding strand, the complement: SLC33A1 is on the minus strand). VCF-style: chr3-155853863-C-T. GRCh37 (hg19) VCF-style: chr3-155571652-C-T.
Other names: c.135G>A, p.Arg45= (NM_001190992.2, NM_001363883.1).
Identifiers: ClinVar variation 4535206 (VCV004535206.6).
Genomic context (GRCh38, chr3:155,853,863, plus strand): 5'-TGGGGCTTTTAAGAAGTCGCCAGTGCCGGTATCCCCCAGAAGAGCTTCTCTGTCCCCTTC[C>T]CGGCCCGCTGAGTCCAAATGACTGTCATCCCAACCGCCTGGCGGCAGGGGACCGCTCTTC-3'
Protein context (NP_004724.1, residues 35-55): WDDSHLDSAG[Arg45=]EGDREALLGD